The following is an entry in ClinVar:

NM_020297.4(ABCC9):c.352T>C (p.Ser118Pro)

Gene: ABCC9 (ATP binding cassette subfamily C member 9; minus strand). Cytogenetic location: 12p12.1.
Variant type: single nucleotide variant.
Coding change: c.352T>C on transcript NM_020297.4 (MANE Select); coding-DNA position 352, T replaced by C.
Protein change: p.Ser118Pro; replaces serine 118 with proline.
Molecular consequence: missense variant. On other transcripts: 5 prime UTR variant (1).
Genome position (GRCh38, 1-based): chr12:21,925,996, A>G on the plus strand (T>C on the coding strand, the complement: ABCC9 is on the minus strand). VCF-style: chr12-21925996-A-G. GRCh37 (hg19) VCF-style: chr12-22078930-A-G.
Other names: c.352T>C, p.Ser118Pro (NM_001377273.1, NM_005691.4); c.-103T>C (NM_001377274.1); short protein forms S118P.
Identifiers: ClinVar variation 1732356 (VCV001732356.2), dbSNP rs2541827710, ClinGen allele CA384129392.

ClinVar aggregate classification (germline): Uncertain significance (1 of 4 stars; one submission).

Conditions:
Cardiovascular phenotype. Identifiers: MedGen CN230736.

Submission:

Ambry Genetics
Classification: Uncertain significance for Cardiovascular phenotype. Last evaluated: 2021-05-26. Review status: criteria provided, single submitter. Criteria: Ambry Variant Classification Scheme 2023. Collection method: clinical testing. Allele origin: germline.
Comment: The p.S118P variant (also known as c.352T>C), located in coding exon 3 of the ABCC9 gene, results from a T to C substitution at nucleotide position 352. The serine at codon 118 is replaced by proline, an amino acid with similar properties. This amino acid position is highly conserved in available vertebrate species. In addition, this alteration is predicted to be deleterious by in silico analysis. Since supporting evidence is limited at this time, the clinical significance of this alteration remains unclear.